The following is an entry in ClinVar:

NM_004473.4(FOXE1):c.990C>T (p.Pro330=)

Gene: FOXE1 (forkhead box E1; plus strand). Cytogenetic location: 9q22.33.
Variant type: single nucleotide variant.
Coding change: c.990C>T on transcript NM_004473.4 (MANE Select); coding-DNA position 990, C replaced by T.
Protein change: p.Pro330=; no amino-acid change (proline 330 retained).
Molecular consequence: synonymous variant.
Genome position (GRCh38, 1-based): chr9:97,854,904, C>T. VCF-style: chr9-97854904-C-T. GRCh37 (hg19) VCF-style: chr9-100617186-C-T.
Identifiers: ClinVar variation 4821170 (VCV004821170.4).
Genomic context (GRCh38, chr9:97,854,904, plus strand): 5'-AGCGGGCGGCAGCAGTGGCGGCGTGGAGACCACGGTGGACTTCTACGGGCGCACGTCGCC[C>T]GGCCAGTTCGGAGCGCTGGGAGCCTGCTACAACCCTGGCGGGCAGCTCGGAGGGGCCAGT-3'
Protein context (NP_004464.2, residues 320-340): TTVDFYGRTS[Pro330=]GQFGALGACY

ClinVar aggregate classification (germline): Likely benign (1 of 4 stars; one submission).

Submission:

CeGaT Center for Human Genetics Tuebingen
Classification: Likely benign. Last evaluated: 2025-12-01. Review status: criteria provided, single submitter. Criteria: CeGaT Center For Human Genetics Tuebingen Variant Classification Criteria Version 2. Collection method: clinical testing. Allele origin: germline. Affected: yes. Observed: 1 variant allele.
Comment: FOXE1: BP4, BP7